The following is an entry in ClinVar:

NM_000245.4(MET):c.1175C>A (p.Pro392His)

Gene: MET (MET proto-oncogene, receptor tyrosine kinase; plus strand). Cytogenetic location: 7q31.2.
Variant type: single nucleotide variant.
Coding change: c.1175C>A on transcript NM_000245.4 (MANE Select); coding-DNA position 1175, C replaced by A.
Protein change: p.Pro392His; replaces proline 392 with histidine.
Molecular consequence: missense variant. On other transcripts: intron variant (1).
Genome position (GRCh38, 1-based): chr7:116,700,259, C>A. VCF-style: chr7-116700259-C-A. GRCh37 (hg19) VCF-style: chr7-116340313-C-A.
Other names: c.1175C>A, p.Pro392His (NM_001127500.3, NM_001324401.3); c.-91+27682C>A (NM_001324402.2); short protein forms P392H.
Identifiers: ClinVar variation 2962629 (VCV002962629.3), dbSNP rs2116607242, ClinGen allele CA368970708.

ClinVar aggregate classification (germline): Uncertain significance (1 of 4 stars; one submission).

Conditions:
Renal cell carcinoma. Identifiers: Orphanet 217071, MedGen C0007134, MeSH D002292, MONDO:0005086, HP:0005584.

Submission:

Labcorp Genetics (formerly Invitae), Labcorp
Classification: Uncertain significance for Renal cell carcinoma. Last evaluated: 2024-04-22. Review status: criteria provided, single submitter. Criteria: Invitae Variant Classification Sherloc (09022015). Collection method: clinical testing. Allele origin: germline.
Comment: This sequence change replaces proline, which is neutral and non-polar, with histidine, which is basic and polar, at codon 392 of the MET protein (p.Pro392His). This variant is not present in population databases (gnomAD no frequency). This variant has not been reported in the literature in individuals affected with MET-related conditions. Advanced modeling of protein sequence and biophysical properties (such as structural, functional, and spatial information, amino acid conservation, physicochemical variation, residue mobility, and thermodynamic stability) performed at Invitae indicates that this missense variant is not expected to disrupt MET protein function with a negative predictive value of 80%. In summary, the available evidence is currently insufficient to determine the role of this variant in disease. Therefore, it has been classified as a Variant of Uncertain Significance.